The following is an entry in ClinVar:

ClinVar aggregate classification (germline): Uncertain significance. Review status: criteria provided, multiple submitters, no conflicts (2 of 4 stars). 5 submissions from 5 submitters: Uncertain significance (5). Last evaluated 2024-10-09.

Conditions:
Autosomal recessive ataxia, Beauce type. Also called: ATAXIA, RECESSIVE, OF BEAUCE; SYNE1 Deficiency; SYNE1-Related Autosomal Recessive Cerebellar Ataxia; Spinocerebellar ataxia, autosomal recessive 8. Identifiers: Orphanet 88644, MedGen C1853116, MONDO:0012549, OMIM 610743.
Emery-Dreifuss muscular dystrophy 4, autosomal dominant (EDMD4). Also called: EMERY-DREIFUSS MUSCULAR DYSTROPHY 4 WITH VARIABLE FEATURES. Identifiers: Orphanet 261, MedGen C2751807, MONDO:0013071, OMIM 612998.

Allele frequency attached by ClinVar (database versions not stated): ExAC 0.00002; gnomAD exomes 0.00004 and 0.00005; TOPMed 0.00004; gnomAD 0.00006.
gnomAD v4.1: 73 of 1,612,296 alleles (0.0045%); highest among the groups gnomAD compares: Non-Finnish European, 0.0061%; no homozygotes.

Submissions (5):

Blueprint Genetics
Classification: Uncertain significance. Last evaluated: 2024-10-09. Review status: criteria provided, single submitter. Criteria: ACMG Guidelines, 2015. Collection method: clinical testing. Allele origin: germline.

Athena Diagnostics
Classification: Uncertain significance. Last evaluated: 2023-06-30. Review status: criteria provided, single submitter. Criteria: Athena Diagnostics Criteria. Collection method: clinical testing. Allele origin: unknown.
Comment: Available data are insufficient to determine the clinical significance of the variant at this time. The frequency of this variant in the general population is uninformative in assessment of its pathogenicity. Computational tools disagree on the variant's effect on normal protein function.

Labcorp Genetics (formerly Invitae), Labcorp
Classification: Uncertain significance for Emery-Dreifuss muscular dystrophy 4, autosomal dominant; Autosomal recessive ataxia, Beauce type. Last evaluated: 2022-09-27. Review status: criteria provided, single submitter. Criteria: Invitae Variant Classification Sherloc (09022015). Collection method: clinical testing. Allele origin: germline.
Comment: ClinVar contains an entry for this variant (Variation ID: 1492653). In summary, the available evidence is currently insufficient to determine the role of this variant in disease. Therefore, it has been classified as a Variant of Uncertain Significance. Algorithms developed to predict the effect of missense changes on protein structure and function are either unavailable or do not agree on the potential impact of this missense change (SIFT: "Deleterious"; PolyPhen-2: "Probably Damaging"; Align-GVGD: "Class C0"). This variant has not been reported in the literature in individuals affected with SYNE1-related conditions. This variant is present in population databases (rs561648669, gnomAD 0.01%). This sequence change replaces glutamine, which is neutral and polar, with histidine, which is basic and polar, at codon 562 of the SYNE1 protein (p.Gln562His).

GeneDx
Classification: Uncertain significance. Last evaluated: 2022-01-21. Review status: criteria provided, single submitter. Criteria: GeneDx Variant Classification Process June 2021. Collection method: clinical testing. Allele origin: germline. Affected: yes.
Comment: In silico analysis supports that this missense variant has a deleterious effect on protein structure/function; Has not been previously published as pathogenic or benign to our knowledge

Revvity Omics, Revvity
Classification: Uncertain significance. Last evaluated: 2019-04-15. Review status: criteria provided, single submitter. Criteria: ACMG Guidelines, 2015. Collection method: clinical testing. Allele origin: germline.

NM_182961.4(SYNE1):c.1665A>C (p.Gln555His)

Gene: SYNE1 (spectrin repeat containing nuclear envelope protein 1; minus strand). Cytogenetic location: 6q25.2.
Variant type: single nucleotide variant.
Coding change: c.1665A>C on transcript NM_182961.4 (MANE Select); coding-DNA position 1665, A replaced by C.
Protein change: p.Gln555His; replaces glutamine 555 with histidine.
Molecular consequence: missense variant.
Genome position (GRCh38, 1-based): chr6:152,466,046, T>G on the plus strand (A>C on the coding strand, the complement: SYNE1 is on the minus strand). VCF-style: chr6-152466046-T-G. GRCh37 (hg19) VCF-style: chr6-152787181-T-G.
Other names: c.1665A>C (NM_182961.2); c.1686A>C, p.Gln562His (NM_033071.5); short protein forms Q562H, Q555H.
Identifiers: ClinVar variation 1492653 (VCV001492653.13), dbSNP rs561648669, ClinGen allele CA4059337.